The following is an entry in ClinVar:

ClinVar aggregate classification (germline): Uncertain significance (1 of 4 stars; one submission).

Conditions:
Hypertrophic cardiomyopathy. Also called: HYPERTROPHIC MYOCARDIOPATHY. Identifiers: Orphanet 217569, MedGen C0007194, MeSH D002312, MONDO:0005045, HP:0001639.

Submission:

Labcorp Genetics (formerly Invitae), Labcorp
Classification: Uncertain significance for Hypertrophic cardiomyopathy. Last evaluated: 2024-02-24. Review status: criteria provided, single submitter. Criteria: Invitae Variant Classification Sherloc (09022015). Collection method: clinical testing. Allele origin: germline.
Comment: This sequence change replaces lysine, which is basic and polar, with arginine, which is basic and polar, at codon 1783 of the MYH7 protein (p.Lys1783Arg). This variant is present in population databases (rs759628313, gnomAD 0.0009%). This variant has not been reported in the literature in individuals affected with MYH7-related conditions. Advanced modeling of protein sequence and biophysical properties (such as structural, functional, and spatial information, amino acid conservation, physicochemical variation, residue mobility, and thermodynamic stability) has been performed at Invitae for this missense variant, however the output from this modeling did not meet the statistical confidence thresholds required to predict the impact of this variant on MYH7 protein function. In summary, the available evidence is currently insufficient to determine the role of this variant in disease. Therefore, it has been classified as a Variant of Uncertain Significance.

NM_000257.4(MYH7):c.5348A>G (p.Lys1783Arg)

Gene: MYH7 (myosin heavy chain 7; minus strand). Cytogenetic location: 14q11.2.
Variant type: single nucleotide variant.
Coding change: c.5348A>G on transcript NM_000257.4 (MANE Select); coding-DNA position 5348, A replaced by G.
Protein change: p.Lys1783Arg; replaces lysine 1783 with arginine.
Molecular consequence: missense variant.
Genome position (GRCh38, 1-based): chr14:23,415,206, T>C on the plus strand (A>G on the coding strand, the complement: MYH7 is on the minus strand). VCF-style: chr14-23415206-T-C. GRCh37 (hg19) VCF-style: chr14-23884415-T-C.
Other names: c.5348A>G, p.Lys1783Arg (NM_001407004.1); short protein forms K1783R.
Identifiers: ClinVar variation 3632204 (VCV003632204.2).